The following is an entry in ClinVar:

ClinVar aggregate classification (germline): Benign (1 of 4 stars; one submission).

gnomAD v4.1: 820 of 1,606,630 alleles (0.051%); highest among the groups gnomAD compares: African/African-American, 0.94%; 6 homozygotes.

Submission:

Women's Health and Genetics/Laboratory Corporation of America, LabCorp
Classification: Benign. Last evaluated: 2026-01-16. Review status: criteria provided, single submitter. Criteria: LabCorp Variant Classification Summary - May 2015. Collection method: clinical testing. Allele origin: germline.
Comment: Variant summary: PRRX1 c.-13G>C is located in the untranslated mRNA region upstream of the initiation codon. The variant allele was found at a frequency of 0.0007 in 234188 control chromosomes, predominantly at a frequency of 0.0096 within the African or African-American subpopulation in the gnomAD database, including 1 homozygote. The observed variant frequency within African or African-American control individuals in the gnomAD database exceeds the estimated maximal expected allele frequency for disease-causing variants in PRRX1. To our knowledge, no occurrence of c.-13G>C in individuals affected with PRRX1-related conditions and no experimental evidence demonstrating its impact on protein function have been reported. No submitters have cited clinical-significance assessments for this variant to ClinVar. Based on the evidence outlined above, the variant was classified as benign.

NM_022716.4(PRRX1):c.-13G>C

Gene: PRRX1 (paired related homeobox 1; plus strand). Cytogenetic location: 1q24.2.
Variant type: single nucleotide variant.
Coding change: c.-13G>C on transcript NM_022716.4 (MANE Select); 13 bases upstream of the start codon, G replaced by C.
Molecular consequence: 5 prime UTR variant.
Genome position (GRCh38, 1-based): chr1:170,664,206, G>C. VCF-style: chr1-170664206-G-C. GRCh37 (hg19) VCF-style: chr1-170633347-G-C.
Other names: c.-13G>C (NM_006902.5).
Identifiers: ClinVar variation 4689324 (VCV004689324.1).